The following is an entry in ClinVar:

ClinVar aggregate classification (germline): Uncertain significance. Review status: criteria provided, multiple submitters, no conflicts (2 of 4 stars). 2 submissions from 2 submitters: Uncertain significance (2). Last evaluated 2025-09-28.

Allele frequency attached by ClinVar (database versions not stated): gnomAD exomes below 0.00001; TOPMed 0.00001.
gnomAD v4.1: 2 of 1,610,472 alleles (0.00012%); highest among the groups gnomAD compares: Admixed American, 0.0033%; no homozygotes.

Submissions (2):

Ambry Genetics
Classification: Uncertain significance. Last evaluated: 2025-09-28. Review status: criteria provided, single submitter. Criteria: Ambry Variant Classification Scheme 2023. Collection method: clinical testing. Allele origin: germline.

Labcorp Genetics (formerly Invitae), Labcorp
Classification: Uncertain significance. Last evaluated: 2022-07-11. Review status: criteria provided, single submitter. Criteria: Invitae Variant Classification Sherloc (09022015). Collection method: clinical testing. Allele origin: germline.
Comment: This sequence change replaces glutamine, which is neutral and polar, with histidine, which is basic and polar, at codon 1080 of the RIMS1 protein (p.Gln1080His). This variant is not present in population databases (gnomAD no frequency). This variant has not been reported in the literature in individuals affected with RIMS1-related conditions. Algorithms developed to predict the effect of missense changes on protein structure and function are either unavailable or do not agree on the potential impact of this missense change (SIFT: "Deleterious"; PolyPhen-2: "Benign"; Align-GVGD: "Class C0"). In summary, the available evidence is currently insufficient to determine the role of this variant in disease. Therefore, it has been classified as a Variant of Uncertain Significance.

NM_014989.7(RIMS1):c.3240G>T (p.Gln1080His)

Gene: RIMS1 (regulating synaptic membrane exocytosis 1; plus strand). Cytogenetic location: 6q13.
Variant type: single nucleotide variant.
Coding change: c.3240G>T on transcript NM_014989.7 (MANE Select); coding-DNA position 3240, G replaced by T.
Protein change: p.Gln1080His; replaces glutamine 1080 with histidine.
Molecular consequence: missense variant. On other transcripts: intron variant (62).
Genome position (GRCh38, 1-based): chr6:72,265,435, G>T. VCF-style: chr6-72265435-G-T. GRCh37 (hg19) VCF-style: chr6-72975138-G-T.
Other names: c.1659G>T, p.Gln553His (NM_001350436.2); c.1470-525G>T (NM_001350428.2, NM_001350459.2, NM_001350424.2 and 1 more transcripts); c.1467-525G>T (NM_001350437.2, NM_001350430.2, NM_001350421.2 and 1 more transcripts); c.1616+383G>T (NM_001350458.2); c.1539-525G>T (NM_001350433.2, NM_001350446.2, NM_001350442.2 and 8 more transcripts); c.1538+4668G>T (NM_001350431.2); c.1476-525G>T (NM_001350457.2); c.1475+6324G>T (NM_001350460.2, NM_001350426.2, NM_001350429.2 and 1 more transcripts); and 15 more; short protein forms Q1080H, Q553H.
Identifiers: ClinVar variation 2068924 (VCV002068924.5), dbSNP rs2080062426, ClinGen allele CA364685758.